The following is an entry in ClinVar:

NM_147127.5(EVC2):c.3558-2A>G

Gene: EVC2 (EvC ciliary complex subunit 2; minus strand). Cytogenetic location: 4p16.2.
Variant type: single nucleotide variant.
Coding change: c.3558-2A>G on transcript NM_147127.5 (MANE Select); the canonical splice acceptor site of the intron before coding-DNA position 3558, A replaced by G.
Molecular consequence: splice acceptor variant.
Genome position (GRCh38, 1-based): chr4:5,565,361, T>C on the plus strand (A>G on the coding strand, the complement: EVC2 is on the minus strand). VCF-style: chr4-5565361-T-C. GRCh37 (hg19) VCF-style: chr4-5567088-T-C.
Other names: c.3318-2A>G (NM_001166136.2).
Identifiers: ClinVar variation 2135571 (VCV002135571.4), dbSNP rs1319211611, ClinGen allele CA356148205.

ClinVar aggregate classification (germline): Likely pathogenic (1 of 4 stars; one submission).

Conditions:
Curry-Hall syndrome (WAD). Also called: WEYERS ACRODENTAL DYSOSTOSIS. Identifiers: Orphanet 952, MedGen C0457013, MONDO:0008673, OMIM 193530.
Ellis-van Creveld syndrome (EVC). Also called: MESOECTODERMAL DYSPLASIA; EVC-Related Ellis-van Creveld Syndrome; EVC2-Related Ellis-van Creveld Syndrome; Chondroectodermal dysplasia. Identifiers: Orphanet 289, MedGen C0013903, MONDO:0009162, OMIM 225500.

Allele frequency attached by ClinVar (database versions not stated): TOPMed below 0.00001; gnomAD 0.00001; gnomAD exomes 0.00001.
gnomAD v4.1: 4 of 1,613,820 alleles (0.00025%); highest among the groups gnomAD compares: Non-Finnish European, 0.00034%; no homozygotes.

Submission:

Labcorp Genetics (formerly Invitae), Labcorp
Classification: Likely pathogenic for Curry-Hall syndrome; Ellis-van Creveld syndrome. Last evaluated: 2024-01-31. Review status: criteria provided, single submitter. Criteria: Invitae Variant Classification Sherloc (09022015). Collection method: clinical testing. Allele origin: germline.
Comment: This sequence change affects an acceptor splice site in intron 20 of the EVC2 gene. It is expected to disrupt RNA splicing. Variants that disrupt the donor or acceptor splice site typically lead to a loss of protein function (PMID: 16199547), and loss-of-function variants in EVC2 are known to be pathogenic (PMID: 17024374, 19810119, 19876929). This variant is present in population databases (no rsID available, gnomAD 0.002%). This variant has not been reported in the literature in individuals affected with EVC2-related conditions. ClinVar contains an entry for this variant (Variation ID: 2135571). Algorithms developed to predict the effect of sequence changes on RNA splicing suggest that this variant may disrupt the consensus splice site. In summary, the currently available evidence indicates that the variant is pathogenic, but additional data are needed to prove that conclusively. Therefore, this variant has been classified as Likely Pathogenic.

Literature cited by the submitters: PubMed 16199547; PubMed 17024374; PubMed 19810119; PubMed 19876929.